The following is an entry in ClinVar:

ClinVar aggregate classification (germline): Uncertain significance (1 of 4 stars; one submission).

Submission:

Labcorp Genetics (formerly Invitae), Labcorp
Classification: Uncertain significance. Last evaluated: 2022-08-16. Review status: criteria provided, single submitter. Criteria: Invitae Variant Classification Sherloc (09022015). Collection method: clinical testing. Allele origin: germline.
Comment: A copy number gain of the genomic region encompassing the full coding sequence of the PPP3CA gene has been identified. The boundaries of this event are unknown as they extend beyond the assayed region for this gene and therefore may encompass additional genes. As the precise location of this event is unknown, it may be in tandem or it may be located elsewhere in the genome. This variant has not been reported in the literature in individuals affected with PPP3CA-related conditions. In summary, the available evidence is currently insufficient to determine the role of this variant in disease. Therefore, it has been classified as a Variant of Uncertain Significance.

NC_000004.11:g.(?_101947022)_(107268849_?)dup

Genes: AIMP1 (aminoacyl tRNA synthetase complex interacting multifunctional protein 1; plus strand), ARHGEF38 (Rho guanine nucleotide exchange factor 38; plus strand), BANK1 (B cell scaffold protein with ankyrin repeats 1; plus strand), BDH2 (3-hydroxybutyrate dehydrogenase 2; minus strand), CENPE (centromere protein E; minus strand) and 16 more. Cytogenetic location: 4q24.
Variant type: Duplication.
Identifiers: ClinVar variation 2445492 (VCV002445492.1).